The following is an entry in ClinVar:

NM_006766.5(KAT6A):c.4664G>A (p.Ser1555Asn)

Gene: KAT6A (lysine acetyltransferase 6A; minus strand). Cytogenetic location: 8p11.21.
Variant type: single nucleotide variant.
Coding change: c.4664G>A on transcript NM_006766.5 (MANE Select); coding-DNA position 4664, G replaced by A.
Protein change: p.Ser1555Asn; replaces serine 1555 with asparagine.
Molecular consequence: missense variant.
Genome position (GRCh38, 1-based): chr8:41,933,556, C>T on the plus strand (G>A on the coding strand, the complement: KAT6A is on the minus strand). VCF-style: chr8-41933556-C-T. GRCh37 (hg19) VCF-style: chr8-41791074-C-T.
Other names: short protein forms S1555N.
Identifiers: ClinVar variation 976788 (VCV000976788.1), dbSNP rs1821677301, ClinGen allele CA371065094.
Genomic context (GRCh38, chr8:41,933,556, plus strand): 5'-CCGCCCATCGTGGAGTCGTAACTGCTTGGGTTCTCATAGTTTTCAGTGGTGCTCTCAATG[C>T]TGCCCAGGTCACTGAAGCCGCTGTCCACCACCTGCTGAGAGTGGTCTGATACGGAAGGCA-3'
Protein context (NP_006757.2, residues 1545-1565): VVDSGFSDLG[Ser1555Asn]IESTTENYEN

ClinVar aggregate classification (germline): Likely pathogenic (0 of 4 stars; one submission).

Conditions:
Autosomal dominant intellectual disability-craniofacial anomalies-cardiac defects syndrome (ARTHS). Also called: Mental retardation, autosomal dominant 32; Arboleda-Tham syndrome; KAT6A syndrome. Identifiers: Orphanet 457193, MedGen C4225396, MONDO:0014558, OMIM 616268.

Submission:

Clinical Genomics Laboratory, Stanford Medicine
Classification: Likely pathogenic for Autosomal dominant intellectual disability-craniofacial anomalies-cardiac defects syndrome. Last evaluated: 2020-05-26. Review status: no assertion criteria provided. Collection method: clinical testing. Allele origin: germline. Inheritance: Autosomal dominant inheritance. Affected: yes.
Comment: This variant was absent from large population databases, including the Genome Aggregation Database. The p.Ser1555Asn variant is located in ahighly conserved region of the KAT6A protein known to interact with RUNX1 and RUNX2. Other de novo,likely pathogenic variants have been described in this domain including p.G1549S, p.S1551R, and p.S1551R (Kennedy et al., 2019). These data were assessed using the ACMG/AMP variant interpretation guidelines. In summary, there is sufficient evidence to classify the p.Ser1555Asn variant as likely pathogenic for KAT6A syndrome in an autosomal dominant manner based on the information above.[ACMG evidence codes used: PS2_Moderate; PM1; PM2]